The following is an entry in ClinVar:

ClinVar aggregate classification (germline): Uncertain significance. Review status: criteria provided, multiple submitters, no conflicts (2 of 4 stars). 2 submissions from 2 submitters: Uncertain significance (2). Last evaluated 2025-08-18.

Conditions:
Hereditary cancer-predisposing syndrome. Also called: Neoplastic Syndromes, Hereditary; Hereditary Cancer Syndrome; Tumor predisposition; Hereditary neoplastic syndrome. Identifiers: Orphanet 140162, MedGen C0027672, MeSH D009386, MONDO:0015356.
Neuroblastoma, susceptibility to, 3. Also called: ALK-Related Neuroblastic Tumor Susceptibility. Identifiers: Orphanet 635, MedGen C2751681, MONDO:0013083, OMIM 613014.

Allele frequency attached by ClinVar (database versions not stated): gnomAD exomes below 0.00001.
gnomAD v4.1: 2 of 1,614,052 alleles (0.00012%); highest among the groups gnomAD compares: Non-Finnish European, 0.00017%; no homozygotes.

Submissions (2):

Labcorp Genetics (formerly Invitae), Labcorp
Classification: Uncertain significance for Neuroblastoma, susceptibility to, 3. Last evaluated: 2025-08-18. Review status: criteria provided, single submitter. Criteria: Invitae Variant Classification Sherloc (09022015). Collection method: clinical testing. Allele origin: germline.
Comment: This sequence change replaces glutamine, which is neutral and polar, with arginine, which is basic and polar, at codon 1336 of the ALK protein (p.Gln1336Arg). This variant is not present in population databases (gnomAD no frequency). This variant has not been reported in the literature in individuals affected with ALK-related conditions. ClinVar contains an entry for this variant (Variation ID: 1510067). An algorithm developed to predict the effect of missense changes on protein structure and function (PolyPhen-2) suggests that this variant is likely to be disruptive. In summary, the available evidence is currently insufficient to determine the role of this variant in disease. Therefore, it has been classified as a Variant of Uncertain Significance.

Ambry Genetics
Classification: Uncertain significance for Hereditary cancer-predisposing syndrome. Last evaluated: 2023-06-11. Review status: criteria provided, single submitter. Criteria: Ambry Variant Classification Scheme 2023. Collection method: clinical testing. Allele origin: germline.
Comment: The p.Q1336R variant (also known as c.4007A>G), located in coding exon 27 of the ALK gene, results from an A to G substitution at nucleotide position 4007. The glutamine at codon 1336 is replaced by arginine, an amino acid with highly similar properties. This amino acid position is conserved. In addition, the in silico prediction for this alteration is inconclusive. Since supporting evidence is limited at this time, the clinical significance of this alteration remains unclear.

NM_004304.5(ALK):c.4007A>G (p.Gln1336Arg)

Gene: ALK (ALK receptor tyrosine kinase; minus strand). Cytogenetic location: 2p23.2.
Variant type: single nucleotide variant.
Coding change: c.4007A>G on transcript NM_004304.5 (MANE Select); coding-DNA position 4007, A replaced by G.
Protein change: p.Gln1336Arg; replaces glutamine 1336 with arginine.
Molecular consequence: missense variant.
Genome position (GRCh38, 1-based): chr2:29,197,608, T>C on the plus strand (A>G on the coding strand, the complement: ALK is on the minus strand). VCF-style: chr2-29197608-T-C. GRCh37 (hg19) VCF-style: chr2-29420474-T-C.
Other names: c.803A>G, p.Gln268Arg (NM_001353765.2); c.4007A>G (NM_004304.4); short protein forms Q1336R, Q268R.
Identifiers: ClinVar variation 1510067 (VCV001510067.9), dbSNP rs1669056352, ClinGen allele CA346466123.
Genomic context (GRCh38, chr2:29,197,608, plus strand): 5'-CCAGGGCAGTTCTTGGGTGGGTCCATCCGGCCTCCACTGGTGACAAACTCCAGAACTTCC[T>C]GGTTGCTTTTGCTGGGGTATGGCATATATCCAAGAGAAAAGATTTCCCATAGCAGCACTC-3'
Protein context (NP_004295.2, residues 1326-1346): GYMPYPSKSN[Gln1336Arg]EVLEFVTSGG